The following is an entry in ClinVar:

ClinVar aggregate classification (germline): Conflicting classifications of pathogenicity. Review status: criteria provided, conflicting classifications (1 of 4 stars). 2 submissions from 2 submitters: Uncertain significance (1); Likely benign (1). Last evaluated 2024-07-10.

Conditions:
Inborn genetic diseases. Identifiers: MedGen C0950123, MeSH D030342.

Allele frequency attached by ClinVar (database versions not stated): ExAC 0.00006; gnomAD 0.00006; gnomAD exomes 0.00007 and 0.00015; ESP Exome Variant Server 0.00009; TOPMed 0.00011; 1000 Genomes Project 30x 0.00021; 1000 Genomes Project 0.00026.

Submissions (3):

Ambry Genetics
Classification: Likely benign for Inborn genetic diseases. Last evaluated: 2024-07-10. Review status: criteria provided, single submitter. Criteria: Ambry Variant Classification Scheme 2023. Collection method: clinical testing. Allele origin: germline.

Women's Health and Genetics/Laboratory Corporation of America, LabCorp
Classification: Uncertain significance. Last evaluated: 2022-05-11. Review status: criteria provided, single submitter. Criteria: LabCorp Variant Classification Summary - May 2015. Collection method: clinical testing. Allele origin: germline.
Comment: Variant summary: AVPR2 c.1031G>A (p.Arg344Gln) results in a conservative amino acid change in the encoded protein sequence. Five of five in-silico tools predict a benign effect of the variant on protein function. The variant allele was found at a frequency of 6.7e-05 in 180319 control chromosomes (gnomAD). This frequency is not significantly higher than expected for a pathogenic variant in AVPR2 causing Nephrogenic Diabetes Insipidus (6.7e-05 vs 0.0022), allowing no conclusion about variant significance. To our knowledge, no occurrence of c.1031G>A in individuals affected with Nephrogenic Diabetes Insipidus and no experimental evidence demonstrating its impact on protein function have been reported. No clinical diagnostic laboratories have submitted clinical-significance assessments for this variant to ClinVar after 2014. Based on the evidence outlined above, the variant was classified as uncertain significance.

Dr. Peter K. Rogan Lab, Western University
No classification provided (evidence only). Condition: Thyroid cancer, nonmedullary, 1. Review status: no classification provided. Collection method: in vitro. Allele origin: not applicable. Functional consequence: retained intron. Not counted in ClinVar's aggregate classification.

NM_000054.7(AVPR2):c.1031G>A (p.Arg344Gln)

Gene: AVPR2 (arginine vasopressin receptor 2; plus strand). Cytogenetic location: Xq28.
Variant type: single nucleotide variant.
Coding change: c.1031G>A on transcript NM_000054.7 (MANE Select); coding-DNA position 1031, G replaced by A.
Protein change: p.Arg344Gln; replaces arginine 344 with glutamine.
Molecular consequence: missense variant. On other transcripts: 3 prime UTR variant (1), non-coding transcript variant (1).
Genome position (GRCh38, 1-based): chrX:153,906,643, G>A. VCF-style: chrX-153906643-G-A. GRCh37 (hg19) VCF-style: chrX-153172097-G-A.
Other names: NC_000023.10:g.153172097G>A; c.*207G>A (NM_001146151.3); short protein forms R344Q.
Identifiers: ClinVar variation 1696254 (VCV001696254.3), dbSNP rs368996823, ClinGen allele CA10555124.